The following is an entry in ClinVar:

NM_002582.4(PARN):c.449G>A (p.Arg150His)

Gene: PARN (poly(A)-specific ribonuclease; minus strand). Cytogenetic location: 16p13.12.
Variant type: single nucleotide variant.
Coding change: c.449G>A on transcript NM_002582.4 (MANE Select); coding-DNA position 449, G replaced by A.
Protein change: p.Arg150His; replaces arginine 150 with histidine.
Molecular consequence: missense variant.
Genome position (GRCh38, 1-based): chr16:14,610,749, C>T on the plus strand (G>A on the coding strand, the complement: PARN is on the minus strand). VCF-style: chr16-14610749-C-T. GRCh37 (hg19) VCF-style: chr16-14704606-C-T.
Other names: c.449G>A, p.Arg150His (LRG_1286t1); c.266G>A, p.Arg89His (NM_001134477.3); c.311G>A, p.Arg104His (NM_001242992.2); short protein forms R104H, R150H, R89H.
Identifiers: ClinVar variation 654928 (VCV000654928.9), dbSNP rs755153974, ClinGen allele CA394811053.

ClinVar aggregate classification (germline): Uncertain significance (1 of 4 stars; one submission).

Conditions:
Dyskeratosis congenita, autosomal recessive 6 (DKCB6). Identifiers: MedGen C4225356, MONDO:0014600, OMIM 616353.
Pulmonary fibrosis and/or bone marrow failure, Telomere-related, 4. Also called: PULMONARY FIBROSIS AND/OR BONE MARROW FAILURE SYNDROME, TELOMERE-RELATED, 4. Identifiers: Orphanet 2032, MedGen C4225347, MONDO:0014612, OMIM 616371.

Allele frequency attached by ClinVar (database versions not stated): gnomAD 0.00001.
gnomAD v4.1: 7 of 1,609,366 alleles (0.00043%); highest among the groups gnomAD compares: Admixed American, 0.0017%; 1 homozygote.

Submission:

Labcorp Genetics (formerly Invitae), Labcorp
Classification: Uncertain significance for Dyskeratosis congenita, autosomal recessive 6; Pulmonary fibrosis and/or bone marrow failure, Telomere-related, 4. Last evaluated: 2021-11-23. Review status: criteria provided, single submitter. Criteria: Invitae Variant Classification Sherloc (09022015). Collection method: clinical testing. Allele origin: germline.
Comment: ClinVar contains an entry for this variant (Variation ID: 654928). This variant has not been reported in the literature in individuals affected with PARN-related conditions. This variant is not present in population databases (gnomAD no frequency). This sequence change replaces arginine, which is basic and polar, with histidine, which is basic and polar, at codon 150 of the PARN protein (p.Arg150His). Algorithms developed to predict the effect of missense changes on protein structure and function are either unavailable or do not agree on the potential impact of this missense change (SIFT: "Deleterious"; PolyPhen-2: "Benign"; Align-GVGD: "Class C25"). In summary, the available evidence is currently insufficient to determine the role of this variant in disease. Therefore, it has been classified as a Variant of Uncertain Significance.